The following is an entry in ClinVar:

NM_001011547.3(SLC5A9):c.620T>C (p.Met207Thr)

Gene: SLC5A9 (solute carrier family 5 member 9; plus strand). Cytogenetic location: 1p33.
Variant type: single nucleotide variant.
Coding change: c.620T>C on transcript NM_001011547.3 (MANE Select); coding-DNA position 620, T replaced by C.
Protein change: p.Met207Thr; replaces methionine 207 with threonine.
Molecular consequence: missense variant.
Genome position (GRCh38, 1-based): chr1:48,231,554, T>C. VCF-style: chr1-48231554-T-C. GRCh37 (hg19) VCF-style: chr1-48697226-T-C.
Other names: c.695T>C, p.Met232Thr (NM_001135181.2); short protein forms M207T, M232T.
Identifiers: ClinVar variation 3055696 (VCV003055696.2), dbSNP rs12047252, ClinGen allele CA843622.
Genomic context (GRCh38, chr1:48,231,554, plus strand): 5'-AGAGGACCCCAAACTGGTGCTGACTGATGAGCCCTCTCCTTGGGTCCCCAGGTGGCCTCA[T>C]GGCCGTGATCTACACAGATGCTCTGCAGACGGTGATCATGGTAGGGGGAGCCCTGGTCCT-3'
Protein context (NP_001011547.2, residues 197-217): TAVYTIAGGL[Met207Thr]AVIYTDALQT

ClinVar aggregate classification (germline): Benign (0 of 4 stars; one submission).

Conditions:
SLC5A9-related disorder. Also called: SLC5A9-related condition.

Allele frequency attached by ClinVar (database versions not stated): ESP Exome Variant Server 0.00838; gnomAD exomes 0.01997; TOPMed 0.02370; gnomAD 0.03802; ExAC 0.04325; 1000 Genomes Project 30x 0.07042; 1000 Genomes Project 0.07368.
gnomAD v4.1: 33,662 of 1,552,356 alleles (2.2%); highest among the groups gnomAD compares: East Asian, 21%; 1,704 homozygotes.

Submission:

PreventionGenetics, part of Exact Sciences
Classification: Benign for SLC5A9-related condition. Last evaluated: 2019-02-28. Review status: no assertion criteria provided. Collection method: clinical testing. Allele origin: germline.
Comment: This variant is classified as benign based on ACMG/AMP sequence variant interpretation guidelines (Richards et al. 2015 PMID: 25741868, with internal and published modifications).